The following is an entry in ClinVar:

ClinVar aggregate classification (germline): Uncertain significance (1 of 4 stars; one submission).

Submission:

GeneDx
Classification: Uncertain significance. Last evaluated: 2023-03-24. Review status: criteria provided, single submitter. Criteria: GeneDx Variant Classification Process June 2021. Collection method: clinical testing. Allele origin: germline. Affected: yes.
Comment: Not observed at significant frequency in large population cohorts (gnomAD); In silico analysis supports that this missense variant does not alter protein structure/function; Has not been previously published as pathogenic or benign to our knowledge

NM_007327.4(GRIN1):c.784G>A (p.Ala262Thr)

Gene: GRIN1 (glutamate ionotropic receptor NMDA type subunit 1; plus strand). Cytogenetic location: 9q34.3.
Variant type: single nucleotide variant.
Coding change: c.784G>A on transcript NM_007327.4 (MANE Select); coding-DNA position 784, G replaced by A.
Protein change: p.Ala262Thr; replaces alanine 262 with threonine.
Molecular consequence: missense variant.
Genome position (GRCh38, 1-based): chr9:137,156,781, G>A. VCF-style: chr9-137156781-G-A. GRCh37 (hg19) VCF-style: chr9-140051233-G-A.
Other names: c.784G>A, p.Ala262Thr (NM_000832.7, NM_021569.4); c.847G>A, p.Ala283Thr (NM_001185090.2, NM_001185091.2); short protein forms A262T, A283T.
Identifiers: ClinVar variation 2582008 (VCV002582008.1), dbSNP rs2538595748, ClinGen allele CA375714855.